The following is an entry in ClinVar:

ClinVar aggregate classification (germline): Uncertain significance. Review status: criteria provided, multiple submitters, no conflicts (2 of 4 stars). 4 submissions from 4 submitters: Uncertain significance (2). 2 of the submissions do not count toward it. Last evaluated 2024-03-15.

Conditions:
Schimke immuno-osseous dysplasia (SIOD). Also called: Schimke Immunoosseous Dysplasia. Identifiers: Orphanet 1830, MedGen C0877024, MONDO:0009458, OMIM 242900.
SMARCAL1-related disorder. Also called: SMARCAL1-related condition.

Allele frequency attached by ClinVar (database versions not stated): gnomAD exomes 0.00003 and 0.00015; gnomAD 0.00007; ESP Exome Variant Server 0.00008; ExAC 0.00014; TOPMed 0.00015.

Submissions (4):

Fulgent Genetics
Classification: Uncertain significance for Schimke immuno-osseous dysplasia. Last evaluated: 2024-03-15. Review status: criteria provided, single submitter. Criteria: ACMG Guidelines, 2015. Collection method: clinical testing. Allele origin: germline.

Labcorp Genetics (formerly Invitae), Labcorp
Classification: Uncertain significance for Schimke immuno-osseous dysplasia. Last evaluated: 2022-08-01. Review status: criteria provided, single submitter. Criteria: Invitae Variant Classification Sherloc (09022015). Collection method: clinical testing. Allele origin: germline.
Comment: This sequence change replaces glutamic acid, which is acidic and polar, with lysine, which is basic and polar, at codon 344 of the SMARCAL1 protein (p.Glu344Lys). This variant is present in population databases (rs370663120, gnomAD 0.09%). This variant has not been reported in the literature in individuals affected with SMARCAL1-related conditions. ClinVar contains an entry for this variant (Variation ID: 657350). Algorithms developed to predict the effect of missense changes on protein structure and function are either unavailable or do not agree on the potential impact of this missense change (SIFT: "Tolerated"; PolyPhen-2: "Probably Damaging"; Align-GVGD: "Class C0"). In summary, the available evidence is currently insufficient to determine the role of this variant in disease. Therefore, it has been classified as a Variant of Uncertain Significance.

PreventionGenetics, part of Exact Sciences
Classification: Uncertain significance for SMARCAL1-related condition. Last evaluated: 2024-08-17. Review status: no assertion criteria provided. Collection method: clinical testing. Allele origin: germline. Not counted in ClinVar's aggregate classification.
Comment: The SMARCAL1 c.1030G>A variant is predicted to result in the amino acid substitution p.Glu344Lys. To our knowledge, this variant has not been reported in the literature. This variant is reported in 0.090% of alleles in individuals of Latino descent in gnomAD. Although we suspect that this variant may be benign, at this time, the clinical significance of this variant is uncertain due to the absence of conclusive functional and genetic evidence.

Natera, Inc.
Classification: Uncertain significance for Schimke immuno-osseous dysplasia. Last evaluated: 2020-09-16. Review status: no assertion criteria provided. Collection method: clinical testing. Allele origin: germline. Not counted in ClinVar's aggregate classification.

NM_014140.4(SMARCAL1):c.1030G>A (p.Glu344Lys)

Gene: SMARCAL1 (SNF2 related chromatin remodeling annealing helicase 1; plus strand). Cytogenetic location: 2q35.
Variant type: single nucleotide variant.
Coding change: c.1030G>A on transcript NM_014140.4 (MANE Select); coding-DNA position 1030, G replaced by A.
Protein change: p.Glu344Lys; replaces glutamic acid 344 with lysine.
Molecular consequence: missense variant.
Genome position (GRCh38, 1-based): chr2:216,420,466, G>A. VCF-style: chr2-216420466-G-A. GRCh37 (hg19) VCF-style: chr2-217285189-G-A.
Other names: c.1030G>A, p.Glu344Lys (NM_001127207.2); short protein forms E344K.
Identifiers: ClinVar variation 657350 (VCV000657350.7), dbSNP rs370663120, ClinGen allele CA2097758.